The following is an entry in ClinVar:

ClinVar aggregate classification (germline): Uncertain significance (1 of 4 stars; one submission).

Conditions:
Primary ciliary dyskinesia 23 (CILD23). Also called: CILIARY DYSKINESIA, PRIMARY, 23, WITH OR WITHOUT SITUS INVERSUS. Identifiers: Orphanet 244, MedGen C3809548, MONDO:0014193, OMIM 615451.

gnomAD v4.1: 21 of 1,613,514 alleles (0.0013%); highest among the groups gnomAD compares: Non-Finnish European, 0.0017%; no homozygotes.

Submission:

Labcorp Genetics (formerly Invitae), Labcorp
Classification: Uncertain significance for Primary ciliary dyskinesia 23. Last evaluated: 2022-08-10. Review status: criteria provided, single submitter. Criteria: Invitae Variant Classification Sherloc (09022015). Collection method: clinical testing. Allele origin: germline.
Comment: In summary, the available evidence is currently insufficient to determine the role of this variant in disease. Therefore, it has been classified as a Variant of Uncertain Significance. Algorithms developed to predict the effect of missense changes on protein structure and function are either unavailable or do not agree on the potential impact of this missense change (SIFT: "Deleterious"; PolyPhen-2: "Possibly Damaging"; Align-GVGD: "Class C0"). This variant has not been reported in the literature in individuals affected with ARMC4-related conditions. This variant is present in population databases (no rsID available, gnomAD 0.002%). This sequence change replaces cysteine, which is neutral and slightly polar, with glycine, which is neutral and non-polar, at codon 865 of the ARMC4 protein (p.Cys865Gly).

NM_018076.5(ODAD2):c.2593T>G (p.Cys865Gly)

Gene: ODAD2 (outer dynein arm docking complex subunit 2; minus strand). Cytogenetic location: 10p12.1.
Variant type: single nucleotide variant.
Coding change: c.2593T>G on transcript NM_018076.5 (MANE Select); coding-DNA position 2593, T replaced by G.
Protein change: p.Cys865Gly; replaces cysteine 865 with glycine.
Molecular consequence: missense variant.
Genome position (GRCh38, 1-based): chr10:27,907,680, A>C on the plus strand (T>G on the coding strand, the complement: ODAD2 is on the minus strand). VCF-style: chr10-27907680-A-C. GRCh37 (hg19) VCF-style: chr10-28196609-A-C.
Other names: c.2593T>G, p.Cys865Gly (NM_001290020.2); c.1168T>G, p.Cys390Gly (NM_001290021.2); c.1669T>G, p.Cys557Gly (NM_001312689.2); short protein forms C390G, C557G, C865G.
Identifiers: ClinVar variation 2428090 (VCV002428090.3), dbSNP rs756624052, ClinGen allele CA376389350.